The following is an entry in ClinVar:

NM_001042492.3(NF1):c.3739T>C (p.Phe1247Leu)

Gene: NF1 (neurofibromin 1; plus strand). Cytogenetic location: 17q11.2.
Variant type: single nucleotide variant.
Coding change: c.3739T>C on transcript NM_001042492.3 (MANE Select); coding-DNA position 3739, T replaced by C.
Protein change: p.Phe1247Leu; replaces phenylalanine 1247 with leucine.
Molecular consequence: missense variant.
Genome position (GRCh38, 1-based): chr17:31,235,641, T>C. VCF-style: chr17-31235641-T-C. GRCh37 (hg19) VCF-style: chr17-29562659-T-C.
Other names: c.3739T>C, p.Phe1247Leu (NM_000267.4); short protein forms F1247L.
Identifiers: ClinVar variation 4615770 (VCV004615770.1).

ClinVar aggregate classification (germline): Uncertain significance (1 of 4 stars; one submission).

Conditions:
Cardiovascular phenotype. Identifiers: MedGen CN230736.
Hereditary cancer-predisposing syndrome. Also called: Neoplastic Syndromes, Hereditary; Tumor predisposition; Hereditary Cancer Syndrome; Hereditary neoplastic syndrome. Identifiers: Orphanet 140162, MedGen C0027672, MeSH D009386, MONDO:0015356.

Submission:

Ambry Genetics
Classification: Uncertain significance for Cardiovascular phenotype; Hereditary cancer-predisposing syndrome. Last evaluated: 2025-10-22. Review status: criteria provided, single submitter. Criteria: Ambry Variant Classification Scheme 2023. Collection method: clinical testing. Allele origin: germline.
Comment: The p.F1247L variant (also known as c.3739T>C), located in coding exon 28 of the NF1 gene, results from a T to C substitution at nucleotide position 3739. The phenylalanine at codon 1247 is replaced by leucine, an amino acid with highly similar properties. This amino acid position is conserved. In addition, this alteration is predicted to be deleterious by in silico analysis. Based on the available evidence, the clinical significance of this variant remains unclear.